The following is an entry in ClinVar:

NM_145200.5(CABP4):c.815T>G (p.Leu272Arg)

Gene: CABP4 (calcium binding protein 4; plus strand). Cytogenetic location: 11q13.2.
Variant type: single nucleotide variant.
Coding change: c.815T>G on transcript NM_145200.5 (MANE Select); coding-DNA position 815, T replaced by G.
Protein change: p.Leu272Arg; replaces leucine 272 with arginine.
Molecular consequence: missense variant. On other transcripts: non-coding transcript variant (1).
Genome position (GRCh38, 1-based): chr11:67,458,646, T>G. VCF-style: chr11-67458646-T-G. GRCh37 (hg19) VCF-style: chr11-67226117-T-G.
Other names: c.500T>G, p.Leu167Arg (NM_001300895.3, NM_001300896.3, NM_001379183.1); short protein forms L167R, L272R.
Identifiers: ClinVar variation 936144 (VCV000936144.10), dbSNP rs751327132, ClinGen allele CA6140370.

ClinVar aggregate classification (germline): Uncertain significance (1 of 4 stars; one submission).

Allele frequency attached by ClinVar (database versions not stated): gnomAD exomes below 0.00001 and 0.00001; gnomAD 0.00001; TOPMed 0.00001; 1000 Genomes Project 30x 0.00031.

Submission:

Labcorp Genetics (formerly Invitae), Labcorp
Classification: Uncertain significance. Last evaluated: 2024-06-06. Review status: criteria provided, single submitter. Criteria: Invitae Variant Classification Sherloc (09022015). Collection method: clinical testing. Allele origin: germline.
Comment: This sequence change replaces leucine, which is neutral and non-polar, with arginine, which is basic and polar, at codon 272 of the CABP4 protein (p.Leu272Arg). This variant is present in population databases (rs751327132, gnomAD 0.0009%). This variant has not been reported in the literature in individuals affected with CABP4-related conditions. ClinVar contains an entry for this variant (Variation ID: 936144). Advanced modeling of protein sequence and biophysical properties (such as structural, functional, and spatial information, amino acid conservation, physicochemical variation, residue mobility, and thermodynamic stability) performed at Invitae indicates that this missense variant is expected to disrupt CABP4 protein function with a positive predictive value of 80%. In summary, the available evidence is currently insufficient to determine the role of this variant in disease. Therefore, it has been classified as a Variant of Uncertain Significance.